The following is an entry in ClinVar:

ClinVar aggregate classification (germline): Benign/Likely benign. Review status: criteria provided, multiple submitters, no conflicts (2 of 4 stars). 5 submissions from 5 submitters: Benign (2); Likely benign (1). 2 of the submissions do not count toward it. Last evaluated 2025-12-19.

Conditions:
Supravalvar aortic stenosis (SVAS). Also called: Supravalvar aortic stenosis, Eisenberg type. Identifiers: Orphanet 3193, MedGen C0003499, MONDO:0008504, OMIM 185500, HP:0004381.

Allele frequency attached by ClinVar (database versions not stated): 1000 Genomes Project 30x 0.00016; 1000 Genomes Project 0.00020.

Submissions (6):

Labcorp Genetics (formerly Invitae), Labcorp
Classification: Benign for Supravalvar aortic stenosis. Last evaluated: 2025-12-19. Review status: criteria provided, single submitter. Criteria: Invitae Variant Classification Sherloc (09022015). Collection method: clinical testing. Allele origin: germline.

CeGaT Center for Human Genetics Tuebingen
Classification: Benign. Last evaluated: 2025-04-01. Review status: criteria provided, single submitter. Criteria: CeGaT Center For Human Genetics Tuebingen Variant Classification Criteria Version 2. Collection method: clinical testing. Allele origin: germline. Affected: yes. Observed: 2 variant alleles.
Comment: ELN: BP4, BS1, BS2

Blueprint Genetics
Classification: Likely benign. Last evaluated: 2024-11-07. Review status: criteria provided, single submitter. Criteria: ACMG Guidelines, 2015. Collection method: clinical testing. Allele origin: germline.

Clinical Genetics DNA and cytogenetics Diagnostics Lab, Erasmus MC, Erasmus Medical Center
Classification: Likely benign. Review status: no assertion criteria provided. Collection method: clinical testing. Allele origin: germline. Affected: yes. Study: VKGL Data-share Consensus. Not counted in ClinVar's aggregate classification.

Dr. Peter K. Rogan Lab, Western University
No classification provided (evidence only). Condition: Nonpapillary renal cell carcinoma. Review status: no classification provided. Collection method: in vitro. Allele origin: not applicable. Functional consequence: retained intron. Not counted in ClinVar's aggregate classification.

Genome Diagnostics Laboratory, University Medical Center Utrecht
Classification: Benign. Review status: no assertion criteria provided. Collection method: clinical testing. Allele origin: germline. Affected: yes. Study: VKGL Data-share Consensus. Not counted in ClinVar's aggregate classification.

NM_000501.4(ELN):c.134-5C>A

Gene: ELN (elastin; plus strand). Cytogenetic location: 7q11.23.
Variant type: single nucleotide variant.
Coding change: c.134-5C>A on transcript NM_000501.4 (MANE Select); 5 bases into the intron before coding-DNA position 134, C replaced by A.
Molecular consequence: intron variant.
Genome position (GRCh38, 1-based): chr7:74,036,550, C>A. VCF-style: chr7-74036550-C-A. GRCh37 (hg19) VCF-style: chr7-73450880-C-A.
Other names: c.134-5C>A (NM_001081754.3, NM_001081753.3, NM_001278939.2 and 5 more transcripts); c.133+1136C>A (NM_001278914.2, NM_001278917.2, NM_001081752.3 and 1 more transcripts).
Identifiers: ClinVar variation 1285175 (VCV001285175.39), dbSNP rs202142516, ClinGen allele CA4292316.